The following is an entry in ClinVar:

ClinVar aggregate classification (germline): Likely pathogenic. Review status: criteria provided, multiple submitters, no conflicts (2 of 4 stars). 3 submissions from 3 submitters: Likely pathogenic (3). Last evaluated 2024-06-23.

Conditions:
Biotin-responsive basal ganglia disease (BTBGD). Also called: thiamine-responsive encephalopathy; Thiamine Transporter-2 Deficiency; Thiamine metabolism dysfunction syndrome 2 (biotin- or thiamine-responsive encephalopathy type 2); THIAMINE METABOLISM DYSFUNCTION SYNDROME 2 (BIOTIN- AND THIAMINE-RESPONSIVE TYPE); Thiamine metabolism dysfunction syndrome type 2. Identifiers: Orphanet 199348, Orphanet 65284, MedGen C1843807, MONDO:0011841, OMIM 607483.
SLC19A3-related disorder. Also called: SLC19A3-related condition.

Allele frequency attached by ClinVar (database versions not stated): gnomAD exomes below 0.00001; TOPMed below 0.00001.
gnomAD v4.1: 1 of 1,613,892 alleles (0.000062%); highest among the groups gnomAD compares: Admixed American, 0.0017%; no homozygotes.

Submissions (3):

Fulgent Genetics
Classification: Likely pathogenic for Biotin-responsive basal ganglia disease. Last evaluated: 2024-06-23. Review status: criteria provided, single submitter. Criteria: ACMG Guidelines, 2015. Collection method: clinical testing. Allele origin: germline.

Labcorp Genetics (formerly Invitae), Labcorp
Classification: Likely pathogenic for Biotin-responsive basal ganglia disease. Last evaluated: 2023-01-18. Review status: criteria provided, single submitter. Criteria: Invitae Variant Classification Sherloc (09022015). Collection method: clinical testing. Allele origin: germline.
Comment: This sequence change affects an acceptor splice site in intron 2 of the SLC19A3 gene. It is expected to disrupt RNA splicing. Variants that disrupt the donor or acceptor splice site typically lead to a loss of protein function (PMID: 16199547), and loss-of-function variants in SLC19A3 are known to be pathogenic (PMID: 23423671, 23482991). In summary, the currently available evidence indicates that the variant is pathogenic, but additional data are needed to prove that conclusively. Therefore, this variant has been classified as Likely Pathogenic. Algorithms developed to predict the effect of sequence changes on RNA splicing suggest that this variant may disrupt the consensus splice site. This variant has not been reported in the literature in individuals affected with SLC19A3-related conditions. This variant is not present in population databases (gnomAD no frequency).

Blueprint Genetics
Classification: Likely pathogenic for SLC19A3-related disorders. Last evaluated: 2022-10-26. Review status: criteria provided, single submitter. Criteria: ACMG Guidelines, 2015. Collection method: clinical testing. Allele origin: germline. Affected: yes. Observed: 2 variant alleles.

Literature cited by the submitters: PubMed 16199547 (cited by Labcorp Genetics (formerly Invitae), Labcorp); PubMed 23423671 (cited by Labcorp Genetics (formerly Invitae), Labcorp); PubMed 23482991 (cited by Labcorp Genetics (formerly Invitae), Labcorp).

NM_025243.4(SLC19A3):c.151-1G>C

Gene: SLC19A3 (solute carrier family 19 member 3; minus strand). Cytogenetic location: 2q36.3.
Variant type: single nucleotide variant.
Coding change: c.151-1G>C on transcript NM_025243.4 (MANE Select); the canonical splice acceptor site of the intron before coding-DNA position 151, G replaced by C.
Molecular consequence: splice acceptor variant.
Genome position (GRCh38, 1-based): chr2:227,699,565, C>G on the plus strand (G>C on the coding strand, the complement: SLC19A3 is on the minus strand). VCF-style: chr2-227699565-C-G. GRCh37 (hg19) VCF-style: chr2-228564281-C-G.
Other names: c.139-1G>C (NM_001371413.1, NM_001371414.1); c.151-1G>C (NM_001371411.1, NM_001371412.1).
Identifiers: ClinVar variation 1990772 (VCV001990772.7), dbSNP rs1203259286, ClinGen allele CA350877829.